The following is an entry in ClinVar:

NM_006521.6(TFE3):c.457T>C (p.Ser153Pro)

Gene: TFE3 (transcription factor binding to IGHM enhancer 3; minus strand). Cytogenetic location: Xp11.23.
Variant type: single nucleotide variant.
Coding change: c.457T>C on transcript NM_006521.6 (MANE Select); coding-DNA position 457, T replaced by C.
Protein change: p.Ser153Pro; replaces serine 153 with proline.
Molecular consequence: missense variant.
Genome position (GRCh38, 1-based): chrX:49,039,184, A>G on the plus strand (T>C on the coding strand, the complement: TFE3 is on the minus strand). VCF-style: chrX-49039184-A-G. GRCh37 (hg19) VCF-style: chrX-48896709-A-G.
Other names: c.142T>C, p.Ser48Pro (NM_001282142.2); c.457T>C (NM_006521.4); short protein forms S153P, S48P.
Identifiers: ClinVar variation 2503205 (VCV002503205.2), dbSNP rs2520164354, ClinGen allele CA412912005.

ClinVar aggregate classification (germline): Uncertain significance. Review status: criteria provided, multiple submitters, no conflicts (2 of 4 stars). 2 submissions from 2 submitters: Uncertain significance (2). Last evaluated 2025-02-19.

Conditions:
Inborn genetic diseases. Identifiers: MedGen C0950123, MeSH D030342.

Submissions (2):

Ambry Genetics
Classification: Uncertain significance for Inborn genetic diseases. Last evaluated: 2025-02-19. Review status: criteria provided, single submitter. Criteria: Ambry Variant Classification Scheme 2023. Collection method: clinical testing. Allele origin: germline.

GeneDx
Classification: Uncertain significance. Last evaluated: 2022-11-23. Review status: criteria provided, single submitter. Criteria: GeneDx Variant Classification Process June 2021. Collection method: clinical testing. Allele origin: germline. Affected: yes.
Comment: Not observed at significant frequency in large population cohorts (gnomAD); In silico analysis supports that this missense variant does not alter protein structure/function; Has not been previously published as pathogenic or benign to our knowledge